The following is an entry in ClinVar:

NM_004211.5(SLC6A5):c.727C>A (p.Pro243Thr)

Gene: SLC6A5 (solute carrier family 6 member 5; plus strand). Cytogenetic location: 11p15.1.
Variant type: single nucleotide variant.
Coding change: c.727C>A on transcript NM_004211.5 (MANE Select); coding-DNA position 727, C replaced by A.
Protein change: p.Pro243Thr; replaces proline 243 with threonine.
Molecular consequence: missense variant.
Genome position (GRCh38, 1-based): chr11:20,607,054, C>A. VCF-style: chr11-20607054-C-A. GRCh37 (hg19) VCF-style: chr11-20628600-C-A.
Other names: c.25C>A, p.Pro9Thr (NM_001318369.2); short protein forms P243T, P9T.
Identifiers: ClinVar variation 2582175 (VCV002582175.4), dbSNP rs759132017, ClinGen allele CA5921189.

ClinVar aggregate classification (germline): Likely pathogenic. Review status: criteria provided, multiple submitters, no conflicts (2 of 4 stars). 3 submissions from 3 submitters: Likely pathogenic (3). Last evaluated 2026-06-25.

Conditions:
Hyperekplexia 3 (HKPX3). Also called: HYPEREKPLEXIA 3, AUTOSOMAL RECESSIVE; HYPEREKPLEXIA 3, AUTOSOMAL DOMINANT. Identifiers: Orphanet 3197, MedGen C3553288, MONDO:0013827, OMIM 614618.

gnomAD v4.1: 4 of 1,614,062 alleles (0.00025%); highest among the groups gnomAD compares: East Asian, 0.0022%; no homozygotes.

Submissions (3):

3billion
Classification: Likely pathogenic for Hyperekplexia 3. Last evaluated: 2026-06-25. Review status: criteria provided, single submitter. Criteria: ACMG Guidelines, 2015. Collection method: clinical testing. Allele origin: germline. Inheritance: Autosomal recessive inheritance. Affected: yes.
Comment: The variant is observed at an extremely low frequency in the gnomAD v4.1.0 dataset (total allele frequency: <0.001%). Predicted Consequence/Location: Missense variant In silico tool predictions suggest damaging effect of the variant on gene or gene product [REVEL: 0.955 (>= 0.644, sensitivity 0.68 and specificity 0.92); 3Cnet: 0.970 (>= 0.75, sensitivity 0.96 and precision 0.92)]. The same nucleotide change resulting in the same amino acid change has been previously reported as pathogenic/likely pathogenic with strong evidence (ClinVar ID: VCV002582175.3 / PMID: 22700964). A different missense change at the same codon (p.Pro243Arg) has been reported to be associated with SLC6A5-related disorder (ClinVar ID: VCV001931559.5). Therefore, this variant is classified as Likely pathogenic (PS1_S, PM2_P, PM3_P, PM5_P, PP3_P) according to the recommendation of ACMG/AMP guideline.

Genesolutions, Medical Genetics Institutes, Ho Chi Minh City, Vietnam
Classification: Likely pathogenic for Hyperekplexia 3. Last evaluated: 2025-09-24. Review status: criteria provided, single submitter. Criteria: ACMG Guidelines, 2015. Collection method: clinical testing. Allele origin: germline. Affected: yes.

GeneDx
Classification: Likely pathogenic. Last evaluated: 2023-03-30. Review status: criteria provided, single submitter. Criteria: GeneDx Variant Classification Process June 2021. Collection method: clinical testing. Allele origin: germline. Affected: yes.
Comment: Published functional studies demonstrate a damaging effect as in vitro assays suggest P243T has a negative effect on protein function (Carta et al., 2012); Not observed at significant frequency in large population cohorts (gnomAD); In silico analysis supports that this missense variant has a deleterious effect on protein structure/function; This variant is associated with the following publications: (PMID: 22700964, 24030948)

Literature cited by the submitters: PubMed 22700964 (cited by 3billion).